The following is an entry in ClinVar:

NM_000257.4(MYH7):c.2540A>C (p.Lys847Thr)

Genes: MYH7 (myosin heavy chain 7; minus strand), LOC126861898 (BRD4-independent group 4 enhancer GRCh37_chr14:23893609-23894808; plus strand). Cytogenetic location: 14q11.2.
Variant type: single nucleotide variant.
Coding change: c.2540A>C on transcript NM_000257.4 (MANE Select); coding-DNA position 2540, A replaced by C.
Protein change: p.Lys847Thr; replaces lysine 847 with threonine.
Molecular consequence: missense variant.
Genome position (GRCh38, 1-based): chr14:23,424,908, T>G on the plus strand (A>C on the coding strand, the complement: MYH7 is on the minus strand). VCF-style: chr14-23424908-T-G. GRCh37 (hg19) VCF-style: chr14-23894117-T-G.
Other names: c.2540A>C, p.Lys847Thr (NM_001407004.1); short protein forms K847T.
Identifiers: ClinVar variation 2823157 (VCV002823157.3), dbSNP rs2502283800, ClinGen allele CA389048200.

ClinVar aggregate classification (germline): Likely pathogenic (1 of 4 stars; one submission).

Conditions:
Hypertrophic cardiomyopathy. Also called: HYPERTROPHIC MYOCARDIOPATHY. Identifiers: Orphanet 217569, MedGen C0007194, MeSH D002312, MONDO:0005045, HP:0001639.

Submission:

Labcorp Genetics (formerly Invitae), Labcorp
Classification: Likely pathogenic for Hypertrophic cardiomyopathy. Last evaluated: 2022-12-22. Review status: criteria provided, single submitter. Criteria: Invitae Variant Classification Sherloc (09022015). Collection method: clinical testing. Allele origin: germline.
Comment: This variant is not present in population databases (gnomAD no frequency). This sequence change replaces lysine, which is basic and polar, with threonine, which is neutral and polar, at codon 847 of the MYH7 protein (p.Lys847Thr). This variant has not been reported in the literature in individuals affected with MYH7-related conditions. Advanced modeling of protein sequence and biophysical properties (such as structural, functional, and spatial information, amino acid conservation, physicochemical variation, residue mobility, and thermodynamic stability) performed at Invitae indicates that this missense variant is expected to disrupt MYH7 protein function. This variant disrupts the p.Lys847 amino acid residue in MYH7. Other variant(s) that disrupt this residue have been determined to be pathogenic (PMID: 20031618, 22857948, 23782526, 27247418, 27532257; 28615295).). This suggests that this residue is clinically significant, and that variants that disrupt this residue are likely to be disease-causing. In summary, the currently available evidence indicates that the variant is pathogenic, but additional data are needed to prove that conclusively. Therefore, this variant has been classified as Likely Pathogenic.

Literature cited by the submitters: PubMed 20031618; PubMed 22857948; PubMed 23782526; PubMed 27247418; PubMed 27532257; PubMed 28615295.